The following is an entry in ClinVar:

ClinVar aggregate classification (germline): Uncertain significance (0 of 4 stars; one submission).

Conditions:
RPGRIP1L-related disorder. Also called: RPGRIP1L-related condition; RPGRIP1L-related disorders. Identifiers: MedGen CN239416.

Submission:

PreventionGenetics, part of Exact Sciences
Classification: Uncertain significance for RPGRIP1L-related condition. Last evaluated: 2023-11-08. Review status: no assertion criteria provided. Collection method: clinical testing. Allele origin: germline.
Comment: The RPGRIP1L c.1729A>C variant is predicted to result in the amino acid substitution p.Lys577Gln. To our knowledge, this variant has not been reported in the literature or in a large population database, indicating this variant is rare. At this time, the clinical significance of this variant is uncertain due to the absence of conclusive functional and genetic evidence.

NM_015272.5(RPGRIP1L):c.1729A>C (p.Lys577Gln)

Gene: RPGRIP1L (RPGRIP1 like; minus strand). Cytogenetic location: 16q12.2.
Variant type: single nucleotide variant.
Coding change: c.1729A>C on transcript NM_015272.5 (MANE Select); coding-DNA position 1729, A replaced by C.
Protein change: p.Lys577Gln; replaces lysine 577 with glutamine.
Molecular consequence: missense variant.
Genome position (GRCh38, 1-based): chr16:53,652,958, T>G on the plus strand (A>C on the coding strand, the complement: RPGRIP1L is on the minus strand). VCF-style: chr16-53652958-T-G. GRCh37 (hg19) VCF-style: chr16-53686870-T-G.
Other names: c.1729A>C, p.Lys577Gln (NM_001127897.4, NM_001308334.3, NM_001330538.2); short protein forms K577Q.
Identifiers: ClinVar variation 3349738 (VCV003349738.1).
Genomic context (GRCh38, chr16:53,652,958, plus strand): 5'-TTTCATCAAATTCATCAACAGAGTCATCTGGCATGATTTCTGGTTTAAATTTGTACTGCT[T>G]GGTGCCATAGGCAATATCCTTTAATTGGGCTGCAAGAGAAGACACACAGTTTAGAGATTT-3'
Protein context (NP_056087.2, residues 567-587): AQLKDIAYGT[Lys577Gln]QYKFKPEIMP